The following is an entry in ClinVar:

NM_014363.6(SACS):c.1596T>A (p.Tyr532Ter)

Gene: SACS (sacsin molecular chaperone; minus strand). Cytogenetic location: 13q12.12.
Variant type: single nucleotide variant.
Coding change: c.1596T>A on transcript NM_014363.6 (MANE Select); coding-DNA position 1596, T replaced by A.
Protein change: p.Tyr532Ter; replaces tyrosine 532 with a stop codon.
Molecular consequence: nonsense.
Genome position (GRCh38, 1-based): chr13:23,355,016, A>T on the plus strand (T>A on the coding strand, the complement: SACS is on the minus strand). VCF-style: chr13-23355016-A-T. GRCh37 (hg19) VCF-style: chr13-23929155-A-T.
Other names: c.1155T>A, p.Tyr385Ter (NM_001278055.2); short protein forms Y385*, Y532*.
Identifiers: ClinVar variation 1320088 (VCV001320088.1), dbSNP rs2137720760, ClinGen allele CA387547670.
Genomic context (GRCh38, chr13:23,355,016, plus strand): 5'-TAGAGGCTCTAACACCGGTTGCCAGTGCACCTTGACTTTGCTCGCCTCCGGCCAAAGCTT[A>T]TAGATAACATCAACTGACAAGGGGAAATCAGAGCTCTTTTCCATCTCCAGACGTTTTATT-3'

ClinVar aggregate classification (germline): Likely pathogenic (1 of 4 stars; one submission).

Conditions:
Charlevoix-Saguenay spastic ataxia (SACS). Also called: AUTOSOMAL RECESSIVE SPASTIC ATAXIA OF CHARLEVOIX-SAGUENAY; Spastic ataxia of Charlevoix-Saguenay; SPASTIC ATAXIA 6, AUTOSOMAL RECESSIVE. Identifiers: Orphanet 98, MedGen C1849140, MONDO:0010041, OMIM 270550.

Submission:

3billion
Classification: Likely pathogenic for Charlevoix-Saguenay spastic ataxia. Last evaluated: 2021-10-02. Review status: criteria provided, single submitter. Criteria: ACMG Guidelines, 2015. Collection method: clinical testing. Allele origin: unknown. Affected: yes. Observed: 1 heterozygote.
Comment: Stop-gained (nonsense): predicted to result in a loss or disruption of normal protein function through nonsense-mediated decay (NMD) or protein truncation. Multiple pathogenic variants are reported downstream of the variant (PVS1_VS). It is not observed in the gnomAD v2.1.1 dataset (PM2). Therefore, this variant is classified as likely pathogenic according to the recommendation of ACMG/AMP guideline.